The following is an entry in ClinVar:

ClinVar aggregate classification (germline): Uncertain significance (1 of 4 stars; one submission).

Submission:

Ambry Genetics
Classification: Uncertain significance. Last evaluated: 2025-06-30. Review status: criteria provided, single submitter. Criteria: Ambry Variant Classification Scheme 2023. Collection method: clinical testing. Allele origin: germline.
Comment: The p.A158V variant (also known as c.473C>T), located in coding exon 3 of the GFI1 gene, results from a C to T substitution at nucleotide position 473. The alanine at codon 158 is replaced by valine, an amino acid with similar properties. This amino acid position is conserved. In addition, this alteration is predicted to be tolerated by in silico analysis. Based on the available evidence, the clinical significance of this variant remains unclear.

NM_005263.5(GFI1):c.473C>T (p.Ala158Val)

Gene: GFI1 (growth factor independent 1 transcriptional repressor; minus strand). Cytogenetic location: 1p22.1.
Variant type: single nucleotide variant.
Coding change: c.473C>T on transcript NM_005263.5 (MANE Select); coding-DNA position 473, C replaced by T.
Protein change: p.Ala158Val; replaces alanine 158 with valine.
Molecular consequence: missense variant.
Genome position (GRCh38, 1-based): chr1:92,480,914, G>A on the plus strand (C>T on the coding strand, the complement: GFI1 is on the minus strand). VCF-style: chr1-92480914-G-A. GRCh37 (hg19) VCF-style: chr1-92946471-G-A.
Other names: c.473C>T, p.Ala158Val (NM_001127215.3, NM_001127216.3); short protein forms A158V.
Identifiers: ClinVar variation 4263186 (VCV004263186.1).
Genomic context (GRCh38, chr1:92,480,914, plus strand): 5'-CCCGCGCCGCCGGCAGCCCGCTTCGGGCCGTACAGCGCGGCCGGGTGGCCAGGCTCCGGG[G>A]CGGGTTCGCAGAAGAGGCCCAGGCCAGCGCCACGCTCCAGGGCCCCACACGGTCGGTAGC-3'
Protein context (NP_005254.2, residues 148-168): GAGLGLFCEP[Ala158Val]PEPGHPAALY